The following is an entry in ClinVar:

ClinVar aggregate classification (germline): Likely benign (1 of 4 stars; one submission).

Allele frequency attached by ClinVar (database versions not stated): 1000 Genomes Project 30x 0.00125; 1000 Genomes Project 0.00140; gnomAD 0.00476; ESP Exome Variant Server 0.00626; gnomAD exomes 0.00651; ExAC 0.00739.
gnomAD v4.1: 10,198 of 1,608,952 alleles (0.63%); highest among the groups gnomAD compares: Non-Finnish European, 0.77%; 41 homozygotes.

Submission:

CeGaT Center for Human Genetics Tuebingen
Classification: Likely benign. Last evaluated: 2026-06-01. Review status: criteria provided, single submitter. Criteria: CeGaT Center For Human Genetics Tuebingen Variant Classification Criteria Version 2. Collection method: clinical testing. Allele origin: germline. Affected: yes. Observed: 9 variant alleles.
Comment: ABCA13: BS2

NM_152701.5(ABCA13):c.13360C>T (p.Arg4454Cys)

Gene: ABCA13 (ATP binding cassette subfamily A member 13; plus strand). Cytogenetic location: 7p12.3.
Variant type: single nucleotide variant.
Coding change: c.13360C>T on transcript NM_152701.5 (MANE Select); coding-DNA position 13360, C replaced by T.
Protein change: p.Arg4454Cys; replaces arginine 4454 with cysteine.
Molecular consequence: missense variant.
Genome position (GRCh38, 1-based): chr7:48,507,885, C>T. VCF-style: chr7-48507885-C-T. GRCh37 (hg19) VCF-style: chr7-48547481-C-T.
Other names: short protein forms R4454C.
Identifiers: ClinVar variation 2657492 (VCV002657492.24), dbSNP rs76060602, ClinGen allele CA4259329.